The following is an entry in ClinVar:

ClinVar aggregate classification (germline): Conflicting classifications of pathogenicity. Review status: criteria provided, conflicting classifications (1 of 4 stars). 2 submissions from 2 submitters: Uncertain significance (1); Likely benign (1). Last evaluated 2025-11-10.

Conditions:
Hereditary cancer-predisposing syndrome. Also called: Hereditary neoplastic syndrome; Neoplastic Syndromes, Hereditary; Tumor predisposition; Hereditary Cancer Syndrome. Identifiers: Orphanet 140162, MedGen C0027672, MeSH D009386, MONDO:0015356.
EGFR-related lung cancer (EGFR). Identifiers: MedGen CN130014.

Allele frequency attached by ClinVar (database versions not stated): gnomAD exomes 0.00002.
gnomAD v4.1: 24 of 1,613,718 alleles (0.0015%); highest among the groups gnomAD compares: Non-Finnish European, 0.0019%; no homozygotes.

Submissions (2):

Labcorp Genetics (formerly Invitae), Labcorp
Classification: Uncertain significance for EGFR-related lung cancer. Last evaluated: 2025-11-10. Review status: criteria provided, single submitter. Criteria: Invitae Variant Classification Sherloc (09022015). Collection method: clinical testing. Allele origin: germline.
Comment: This sequence change replaces isoleucine, which is neutral and non-polar, with valine, which is neutral and non-polar, at codon 491 of the EGFR protein (p.Ile491Val). This variant is not present in population databases (gnomAD no frequency). This variant has not been reported in the literature in individuals affected with EGFR-related conditions. ClinVar contains an entry for this variant (Variation ID: 1507875). Invitae Evidence Modeling of protein sequence and biophysical properties (such as structural, functional, and spatial information, amino acid conservation, physicochemical variation, residue mobility, and thermodynamic stability) indicates that this missense variant is not expected to disrupt EGFR protein function with a negative predictive value of 80%. In summary, the available evidence is currently insufficient to determine the role of this variant in disease. Therefore, it has been classified as a Variant of Uncertain Significance.

Ambry Genetics
Classification: Likely benign for Hereditary cancer-predisposing syndrome. Last evaluated: 2025-01-22. Review status: criteria provided, single submitter. Criteria: Ambry Variant Classification Scheme 2023. Collection method: clinical testing. Allele origin: germline.

NM_005228.5(EGFR):c.1471A>G (p.Ile491Val)

Gene: EGFR (epidermal growth factor receptor; plus strand). Cytogenetic location: 7p11.2.
Variant type: single nucleotide variant.
Coding change: c.1471A>G on transcript NM_005228.5 (MANE Select); coding-DNA position 1471, A replaced by G.
Protein change: p.Ile491Val; replaces isoleucine 491 with valine.
Molecular consequence: missense variant.
Genome position (GRCh38, 1-based): chr7:55,160,311, A>G. VCF-style: chr7-55160311-A-G. GRCh37 (hg19) VCF-style: chr7-55228004-A-G.
Other names: c.1336A>G, p.Ile446Val (NM_001346897.2, NM_001346899.2); c.1471A>G, p.Ile491Val (NM_001346898.2, NM_201282.2, NM_201284.2); c.1312A>G, p.Ile438Val (NM_001346900.2); c.670A>G, p.Ile224Val (NM_001346941.2); c.1471A>G (NM_005228.3); short protein forms I491V, I224V, I446V, I438V.
Identifiers: ClinVar variation 1507875 (VCV001507875.7), dbSNP rs768500612, ClinGen allele CA158917244.